The following is an entry in ClinVar:

NM_032043.3(BRIP1):c.197C>T (p.Ser66Phe)

Gene: BRIP1 (BRCA1 interacting DNA helicase 1; minus strand). Cytogenetic location: 17q23.2.
Variant type: single nucleotide variant.
Coding change: c.197C>T on transcript NM_032043.3 (MANE Select); coding-DNA position 197, C replaced by T.
Protein change: p.Ser66Phe; replaces serine 66 with phenylalanine.
Molecular consequence: missense variant.
Genome position (GRCh38, 1-based): chr17:61,859,804, G>A on the plus strand (C>T on the coding strand, the complement: BRIP1 is on the minus strand). VCF-style: chr17-61859804-G-A. GRCh37 (hg19) VCF-style: chr17-59937165-G-A.
Other names: short protein forms S66F.
Identifiers: ClinVar variation 844600 (VCV000844600.10), dbSNP rs2078948703, ClinGen allele CA400485658.

ClinVar aggregate classification (germline): Uncertain significance (1 of 4 stars; one submission).

Conditions:
Fanconi anemia complementation group J. Also called: BRIP1-Related Fanconi Anemia. Identifiers: Orphanet 84, MedGen C1836860, MONDO:0012187, OMIM 609054.
Familial cancer of breast. Also called: hereditary breast carcinoma; BREAST CANCER, FAMILIAL; Hereditary breast cancer. Identifiers: Orphanet 227535, MedGen C0346153, MONDO:0016419, OMIM 114480. Disease mechanism: loss of function.

Submission:

Labcorp Genetics (formerly Invitae), Labcorp
Classification: Uncertain significance for Familial cancer of breast; Fanconi anemia complementation group J. Last evaluated: 2019-04-01. Review status: criteria provided, single submitter. Criteria: Invitae Variant Classification Sherloc (09022015). Collection method: clinical testing. Allele origin: germline.
Comment: This sequence change replaces serine with phenylalanine at codon 66 of the BRIP1 protein (p.Ser66Phe). The serine residue is moderately conserved and there is a large physicochemical difference between serine and phenylalanine. This variant is not present in population databases (ExAC no frequency). This variant has not been reported in the literature in individuals with BRIP1-related conditions. Algorithms developed to predict the effect of missense changes on protein structure and function are either unavailable or do not agree on the potential impact of this missense change (SIFT: "Tolerated"; PolyPhen-2: "Possibly Damaging"; Align-GVGD: "Class C0"). In summary, the available evidence is currently insufficient to determine the role of this variant in disease. Therefore, it has been classified as a Variant of Uncertain Significance.